The following is an entry in ClinVar:

ClinVar aggregate classification (germline): Benign. Review status: criteria provided, multiple submitters, no conflicts (2 of 4 stars). 4 submissions from 4 submitters: Benign (3). 1 of the submissions does not count toward it. Last evaluated 2026-02-01.

Conditions:
Auriculocondylar syndrome 3 (ARCND3). Identifiers: Orphanet 137888, MedGen C3810332, MONDO:0014312, OMIM 615706.
High density lipoprotein cholesterol level quantitative trait locus 7. Identifiers: MedGen C3888126, OMIM 618979.

Allele frequency attached by ClinVar (database versions not stated): gnomAD exomes 0.22666 and 0.22928; ExAC 0.23446; 1000 Genomes Project 0.24740; 1000 Genomes Project 30x 0.24797; gnomAD 0.20507 and 0.21237; TOPMed 0.20731.
gnomAD v4.1: 363,990 of 1,613,552 alleles (23%); highest among the groups gnomAD compares: South Asian, 40%; 43,252 homozygotes.

Submissions (4):

Labcorp Genetics (formerly Invitae), Labcorp
Classification: Benign. Last evaluated: 2026-02-01. Review status: criteria provided, single submitter. Criteria: Invitae Variant Classification Sherloc (09022015). Collection method: clinical testing. Allele origin: germline.

Genome-Nilou Lab
Classification: Benign for Auriculocondylar syndrome 3. Last evaluated: 2021-07-30. Review status: criteria provided, single submitter. Criteria: ACMG Guidelines, 2015. Collection method: clinical testing. Allele origin: germline. Affected: no.

GeneDx
Classification: Benign. Last evaluated: 2018-03-13. Review status: criteria provided, single submitter. Criteria: GeneDx Variant Classification (06012015). Collection method: clinical testing. Allele origin: germline. Affected: yes.
Comment: This variant is considered likely benign or benign based on one or more of the following criteria: it is a conservative change, it occurs at a poorly conserved position in the protein, it is predicted to be benign by multiple in silico algorithms, and/or has population frequency not consistent with disease.

OMIM
Classification: Benign for EDN1 POLYMORPHISM. Last evaluated: 2008-04-01. Review status: no assertion criteria provided. Collection method: literature only. Allele origin: germline. Not counted in ClinVar's aggregate classification.

Literature cited by the submitters: PubMed 18288492 (cited by OMIM); Hamosh, A. Personal Communication. 2020. Baltimore, Md. (cited by OMIM); PubMed 17357073 (cited by OMIM).

NM_001955.5(EDN1):c.594G>T (p.Lys198Asn)

Gene: EDN1 (endothelin 1; plus strand). Cytogenetic location: 6p24.1.
Variant type: single nucleotide variant.
Coding change: c.594G>T on transcript NM_001955.5 (MANE Select); coding-DNA position 594, G replaced by T.
Protein change: p.Lys198Asn; replaces lysine 198 with asparagine.
Molecular consequence: missense variant.
Genome position (GRCh38, 1-based): chr6:12,296,022, G>T. VCF-style: chr6-12296022-G-T. GRCh37 (hg19) VCF-style: chr6-12296255-G-T.
Other names: c.591G>T, p.Lys197Asn (NM_001168319.2); short protein forms K198N, K197N.
Identifiers: ClinVar variation 16652 (VCV000016652.15), dbSNP rs5370, ClinGen allele CA126756.